The following is an entry in ClinVar:

ClinVar aggregate classification (germline): Uncertain significance. Review status: criteria provided, multiple submitters, no conflicts (2 of 4 stars). 3 submissions from 3 submitters: Uncertain significance (2). 1 of the submissions does not count toward it. Last evaluated 2023-06-10.

Conditions:
MAGEL2-related disorder. Also called: MAGEL2-related condition.

Allele frequency attached by ClinVar (database versions not stated): ExAC 0.00003; TOPMed 0.00003; gnomAD 0.00004 and 0.00005; gnomAD exomes 0.00004 and 0.00007; 1000 Genomes Project 30x 0.00016; 1000 Genomes Project 0.00020.

Submissions (3):

Labcorp Genetics (formerly Invitae), Labcorp
Classification: Uncertain significance. Last evaluated: 2023-06-10. Review status: criteria provided, single submitter. Criteria: Invitae Variant Classification Sherloc (09022015). Collection method: clinical testing. Allele origin: germline.
Comment: This sequence change replaces aspartic acid, which is acidic and polar, with asparagine, which is neutral and polar, at codon 933 of the MAGEL2 protein (p.Asp933Asn). In summary, the available evidence is currently insufficient to determine the role of this variant in disease. Therefore, it has been classified as a Variant of Uncertain Significance. Advanced modeling of protein sequence and biophysical properties (such as structural, functional, and spatial information, amino acid conservation, physicochemical variation, residue mobility, and thermodynamic stability) performed at Invitae indicates that this missense variant is not expected to disrupt MAGEL2 protein function. ClinVar contains an entry for this variant (Variation ID: 1696362). This variant has not been reported in the literature in individuals affected with MAGEL2-related conditions. This variant is present in population databases (rs567298347, gnomAD 0.006%).

Women's Health and Genetics/Laboratory Corporation of America, LabCorp
Classification: Uncertain significance. Last evaluated: 2022-05-20. Review status: criteria provided, single submitter. Criteria: LabCorp Variant Classification Summary - May 2015. Collection method: clinical testing. Allele origin: germline.
Comment: Variant summary: MAGEL2 c.2797G>A (p.Asp933Asn) results in a conservative amino acid change in the encoded protein sequence. Two of three in-silico tools predict a benign effect of the variant on protein function. The variant allele was found at a frequency of 3.6e-05 in 249042 control chromosomes. The available data on variant occurrences in the general population are insufficient to allow any conclusion about variant significance. To our knowledge, no occurrence of c.2797G>A in individuals affected with Schaaf-Yang Syndrome and no experimental evidence demonstrating its impact on protein function have been reported. No clinical diagnostic laboratories have submitted clinical-significance assessments for this variant to ClinVar after 2014. Based on the evidence outlined above, the variant was classified as uncertain significance.

PreventionGenetics, part of Exact Sciences
Classification: Uncertain significance for MAGEL2-related condition. Last evaluated: 2024-07-09. Review status: no assertion criteria provided. Collection method: clinical testing. Allele origin: germline. Not counted in ClinVar's aggregate classification.
Comment: The MAGEL2 c.2797G>A variant is predicted to result in the amino acid substitution p.Asp933Asn. To our knowledge, this variant has not been reported in the literature. This variant is reported in 0.0071% of alleles in individuals of European (Non-Finnish) descent in gnomAD. At this time, the clinical significance of this variant is uncertain due to the absence of conclusive functional and genetic evidence.

NM_019066.5(MAGEL2):c.2797G>A (p.Asp933Asn)

Gene: MAGEL2 (MAGE family member L2; minus strand). Cytogenetic location: 15q11.2.
Variant type: single nucleotide variant.
Coding change: c.2797G>A on transcript NM_019066.5 (MANE Select); coding-DNA position 2797, G replaced by A.
Protein change: p.Asp933Asn; replaces aspartic acid 933 with asparagine.
Molecular consequence: missense variant.
Genome position (GRCh38, 1-based): chr15:23,644,946, C>T on the plus strand (G>A on the coding strand, the complement: MAGEL2 is on the minus strand). VCF-style: chr15-23644946-C-T. GRCh37 (hg19) VCF-style: chr15-23890093-C-T.
Other names: short protein forms D933N.
Identifiers: ClinVar variation 1696362 (VCV001696362.4), dbSNP rs567298347, ClinGen allele CA7429820.